The following is an entry in ClinVar:

NM_001354604.2(MITF):c.1228A>G (p.Thr410Ala)

Gene: MITF (melanocyte inducing transcription factor; plus strand). Cytogenetic location: 3p13.
Variant type: single nucleotide variant.
Coding change: c.1228A>G on transcript NM_001354604.2 (MANE Select); coding-DNA position 1228, A replaced by G.
Protein change: p.Thr410Ala; replaces threonine 410 with alanine.
Molecular consequence: missense variant.
Genome position (GRCh38, 1-based): chr3:69,964,895, A>G. VCF-style: chr3-69964895-A-G. GRCh37 (hg19) VCF-style: chr3-70014046-A-G.
Other names: c.907A>G, p.Thr303Ala (NM_000248.4); c.1054A>G, p.Thr352Ala (NM_001184967.2, NM_001354608.2); c.1225A>G, p.Thr409Ala (NM_001354605.2); c.1207A>G, p.Thr403Ala (NM_001354606.2, NM_006722.3); c.1159A>G, p.Thr387Ala (NM_001354607.2); c.889A>G, p.Thr297Ala (NM_198158.3); c.1210A>G, p.Thr404Ala (NM_198159.3); c.1162A>G, p.Thr388Ala (NM_198177.3); and 1 more; short protein forms T241A, T297A, T303A, T352A, T387A, T388A, T403A, T404A.
Identifiers: ClinVar variation 1713487 (VCV001713487.3), dbSNP rs2471671829, ClinGen allele CA353559402.

ClinVar aggregate classification (germline): Uncertain significance (1 of 4 stars; one submission).

Conditions:
Tietz syndrome (TADS). Also called: ALBINISM-DEAFNESS OF TIETZ; HYPOPIGMENTATION/DEAFNESS OF TIETZ; TIETZ ALBINISM-DEAFNESS SYNDROME. Identifiers: Orphanet 42665, MedGen C0391816, MONDO:0007077, OMIM 103500.
Waardenburg syndrome type 2A (WS2A). Also called: WAARDENBURG SYNDROME WITHOUT DYSTOPIA CANTHORUM. Identifiers: Orphanet 3440, MedGen C1860339, MONDO:0008671, OMIM 193510.
Melanoma, cutaneous malignant, susceptibility to, 8. Also called: Cutaneous malignant melanoma 8; MELANOMA AND RENAL CELL CARCINOMA, SUSCEPTIBILITY TO. Identifiers: Orphanet 293822, MedGen C3152204, MONDO:0013759, OMIM 614456.

Submission:

Labcorp Genetics (formerly Invitae), Labcorp
Classification: Uncertain significance for Melanoma, cutaneous malignant, susceptibility to, 8; Waardenburg syndrome type 2A; Tietz syndrome. Last evaluated: 2022-09-27. Review status: criteria provided, single submitter. Criteria: Invitae Variant Classification Sherloc (09022015). Collection method: clinical testing. Allele origin: germline.
Comment: In summary, the available evidence is currently insufficient to determine the role of this variant in disease. Therefore, it has been classified as a Variant of Uncertain Significance. Advanced modeling of protein sequence and biophysical properties (such as structural, functional, and spatial information, amino acid conservation, physicochemical variation, residue mobility, and thermodynamic stability) performed at Invitae indicates that this missense variant is not expected to disrupt MITF protein function. This variant has not been reported in the literature in individuals affected with MITF-related conditions. This variant is not present in population databases (gnomAD no frequency). This sequence change replaces threonine, which is neutral and polar, with alanine, which is neutral and non-polar, at codon 303 of the MITF protein (p.Thr303Ala).